The following is an entry in ClinVar:

ClinVar aggregate classification (germline): Benign. Review status: criteria provided, multiple submitters, no conflicts (2 of 4 stars). 3 submissions from 3 submitters: Benign (2). 1 of the submissions does not count toward it. Last evaluated 2018-03-02.

Conditions:
DNAH2-related disorder. Also called: DNAH2-related condition.

Allele frequency attached by ClinVar (database versions not stated): gnomAD exomes 0.00043 and 0.00121; ExAC 0.00131; TOPMed 0.00499; 1000 Genomes Project 30x 0.00328; 1000 Genomes Project 0.00339; ESP Exome Variant Server 0.00392; gnomAD 0.00453 and 0.00486.
gnomAD v4.1: 1,334 of 1,612,890 alleles (0.083%); highest among the groups gnomAD compares: African/African-American, 1.6%; 9 homozygotes.

Submissions (3):

Labcorp Genetics (formerly Invitae), Labcorp
Classification: Benign. Last evaluated: 2018-03-02. Review status: criteria provided, single submitter. Criteria: Invitae Variant Classification Sherloc (09022015). Collection method: clinical testing. Allele origin: germline.

Breakthrough Genomics
Classification: Benign. Review status: criteria provided, single submitter. Criteria: ACMG Guidelines, 2015. Collection method: not provided. Allele origin: germline. Inheritance: Autosomal recessive inheritance. Affected: yes.

PreventionGenetics, part of Exact Sciences
Classification: Benign for DNAH2-related condition. Last evaluated: 2019-03-25. Review status: no assertion criteria provided. Collection method: clinical testing. Allele origin: germline. Not counted in ClinVar's aggregate classification.
Comment: This variant is classified as benign based on ACMG/AMP sequence variant interpretation guidelines (Richards et al. 2015 PMID: 25741868, with internal and published modifications).

NM_020877.5(DNAH2):c.4969A>G (p.Ile1657Val)

Gene: DNAH2 (dynein axonemal heavy chain 2; plus strand). Cytogenetic location: 17p13.1.
Variant type: single nucleotide variant.
Coding change: c.4969A>G on transcript NM_020877.5 (MANE Select); coding-DNA position 4969, A replaced by G.
Protein change: p.Ile1657Val; replaces isoleucine 1657 with valine.
Molecular consequence: missense variant.
Genome position (GRCh38, 1-based): chr17:7,776,800, A>G. VCF-style: chr17-7776800-A-G. GRCh37 (hg19) VCF-style: chr17-7680118-A-G.
Other names: short protein forms I1657V.
Identifiers: ClinVar variation 780397 (VCV000780397.6), dbSNP rs149023499, ClinGen allele CA8357316.